The following is an entry in ClinVar:

NM_001197104.2(KMT2A):c.6401C>T (p.Ser2134Phe)

Gene: KMT2A (lysine methyltransferase 2A; plus strand). Cytogenetic location: 11q23.3.
Variant type: single nucleotide variant.
Coding change: c.6401C>T on transcript NM_001197104.2 (MANE Select); coding-DNA position 6401, C replaced by T.
Protein change: p.Ser2134Phe; replaces serine 2134 with phenylalanine.
Molecular consequence: missense variant.
Genome position (GRCh38, 1-based): chr11:118,501,753, C>T. VCF-style: chr11-118501753-C-T. GRCh37 (hg19) VCF-style: chr11-118372468-C-T.
Other names: c.6491C>T, p.Ser2164Phe (NM_001412597.1); c.6392C>T, p.Ser2131Phe (NM_005933.4); short protein forms S2131F, S2164F, S2134F.
Identifiers: ClinVar variation 2030373 (VCV002030373.1), dbSNP rs1313312193, ClinGen allele CA382801705.

ClinVar aggregate classification (germline): Uncertain significance (1 of 4 stars; one submission).

Allele frequency attached by ClinVar (database versions not stated): gnomAD 0.00001; gnomAD exomes 0.00001; TOPMed below 0.00001.

Submission:

Labcorp Genetics (formerly Invitae), Labcorp
Classification: Uncertain significance. Last evaluated: 2021-12-03. Review status: criteria provided, single submitter. Criteria: Invitae Variant Classification Sherloc (09022015). Collection method: clinical testing. Allele origin: germline.
Comment: This sequence change replaces serine, which is neutral and polar, with phenylalanine, which is neutral and non-polar, at codon 2134 of the KMT2A protein (p.Ser2134Phe). This variant is not present in population databases (gnomAD no frequency). This variant has not been reported in the literature in individuals affected with KMT2A-related conditions. Advanced modeling of protein sequence and biophysical properties (such as structural, functional, and spatial information, amino acid conservation, physicochemical variation, residue mobility, and thermodynamic stability) performed at Invitae indicates that this missense variant is expected to disrupt KMT2A protein function. In summary, the available evidence is currently insufficient to determine the role of this variant in disease. Therefore, it has been classified as a Variant of Uncertain Significance.